The following is an entry in ClinVar:

NM_003126.4(SPTA1):c.6911_6925del (p.Asn2304_Pro2308del)

Gene: SPTA1 (spectrin alpha, erythrocytic 1; minus strand). Cytogenetic location: 1q23.1.
Variant type: Deletion.
Coding change: c.6911_6925del on transcript NM_003126.4 (MANE Select); coding-DNA positions 6911 to 6925, 15 bases deleted (ATTACTACTTGCCCA).
Protein change: p.Asn2304_Pro2308del.
Molecular consequence: inframe deletion.
Genome position (GRCh38, 1-based): chr1:158,613,785-158,613,799, TGGGCAAGTAGTAAT deleted on the plus strand (ATTACTACTTGCCCA on the coding strand, the reverse complement: SPTA1 is on the minus strand); deleting any 15 consecutive bases within chr1:158,613,785-158,613,801 gives the same sequence; the c. name uses the placement nearest the transcript's 3' end. VCF-style (leftmost placement, unchanged base first): chr1-158613784-ATGGGCAAGTAGTAAT-A. GRCh37 (hg19) VCF-style: chr1-158583574-ATGGGCAAGTAGTAAT-A.
Other names: p.Asn2304_Pro2308del.
Identifiers: ClinVar variation 4541624 (VCV004541624.1).

ClinVar aggregate classification (germline): Uncertain significance (1 of 4 stars; one submission).

Submission:

Mayo Clinic Laboratories, Mayo Clinic
Classification: Uncertain significance. Last evaluated: 2025-01-23. Review status: criteria provided, single submitter. Criteria: ACMG Guidelines, 2015. Collection method: clinical testing. Allele origin: germline. Observed: 1 variant allele.
Comment: PM2_supporting, PM4